The following is an entry in ClinVar:

NM_024642.5(GALNT12):c.1655G>A (p.Arg552Lys)

Gene: GALNT12 (polypeptide N-acetylgalactosaminyltransferase 12; plus strand). Cytogenetic location: 9q22.33.
Variant type: single nucleotide variant.
Coding change: c.1655G>A on transcript NM_024642.5 (MANE Select); coding-DNA position 1655, G replaced by A.
Protein change: p.Arg552Lys; replaces arginine 552 with lysine.
Molecular consequence: missense variant.
Genome position (GRCh38, 1-based): chr9:98,849,001, G>A. VCF-style: chr9-98849001-G-A. GRCh37 (hg19) VCF-style: chr9-101611283-G-A.
Other names: short protein forms R552K.
Identifiers: ClinVar variation 485645 (VCV000485645.15), dbSNP rs1285871027, ClinGen allele CA374222976.

ClinVar aggregate classification (germline): Conflicting classifications of pathogenicity. Review status: criteria provided, conflicting classifications (1 of 4 stars). 3 submissions from 3 submitters: Uncertain significance (2); Likely benign (1). Last evaluated 2024-06-21.

Conditions:
Colorectal cancer, susceptibility to, 1. Also called: COLORECTAL ADENOMA AND CANCER, SUSCEPTIBILITY TO; COLORECTAL CANCER, SUSCEPTIBILITY TO, ON CHROMOSOME 9. Identifiers: MedGen C1837315, MONDO:0012132, OMIM 608812.

Allele frequency attached by ClinVar (database versions not stated): gnomAD exomes below 0.00001; gnomAD 0.00001; TOPMed 0.00002.

Submissions (3):

Fulgent Genetics
Classification: Uncertain significance for Colorectal cancer, susceptibility to, 1. Last evaluated: 2024-06-21. Review status: criteria provided, single submitter. Criteria: ACMG Guidelines, 2015. Collection method: clinical testing. Allele origin: germline.

Labcorp Genetics (formerly Invitae), Labcorp
Classification: Uncertain significance. Last evaluated: 2022-02-01. Review status: criteria provided, single submitter. Criteria: Invitae Variant Classification Sherloc (09022015). Collection method: clinical testing. Allele origin: germline.
Comment: This variant has not been reported in the literature in individuals affected with GALNT12-related conditions. In summary, the available evidence is currently insufficient to determine the role of this variant in disease. Therefore, it has been classified as a Variant of Uncertain Significance. Algorithms developed to predict the effect of missense changes on protein structure and function output the following: SIFT: "Tolerated"; PolyPhen-2: "Benign"; Align-GVGD: "Class C0". The lysine amino acid residue is found in multiple mammalian species, which suggests that this missense change does not adversely affect protein function. ClinVar contains an entry for this variant (Variation ID: 485645). This variant is not present in population databases (gnomAD no frequency). This sequence change replaces arginine, which is basic and polar, with lysine, which is basic and polar, at codon 552 of the GALNT12 protein (p.Arg552Lys).

Ambry Genetics
Classification: Likely benign. Last evaluated: 2017-05-16. Review status: criteria provided, single submitter. Criteria: Ambry Variant Classification Scheme 2023. Collection method: clinical testing. Allele origin: germline.